The following is an entry in ClinVar:

ClinVar aggregate classification (germline): Uncertain significance (1 of 4 stars; one submission).

Conditions:
Myopathy, proximal, and ophthalmoplegia (CMYO6). Also called: MYOPATHY WITH CONGENITAL JOINT CONTRACTURES, OPHTHALMOPLEGIA, AND RIMMED VACUOLES; CONGENITAL MYOPATHY 6 WITH OPHTHALMOPLEGIA; INCLUSION BODY MYOPATHY 3, AUTOSOMAL DOMINANT. Identifiers: Orphanet 363677, Orphanet 79091, MedGen C1854106, MONDO:0011577, OMIM 605637.

Allele frequency attached by ClinVar (database versions not stated): TOPMed below 0.00001; gnomAD 0.00001.
gnomAD v4.1: 1 of 1,614,102 alleles (0.000062%); highest among the groups gnomAD compares: Non-Finnish European, 0.000085%; no homozygotes.

Submission:

Labcorp Genetics (formerly Invitae), Labcorp
Classification: Uncertain significance for Myopathy, proximal, and ophthalmoplegia. Last evaluated: 2025-04-19. Review status: criteria provided, single submitter. Criteria: Invitae Variant Classification Sherloc (09022015). Collection method: clinical testing. Allele origin: germline.
Comment: This sequence change replaces aspartic acid, which is acidic and polar, with glycine, which is neutral and non-polar, at codon 1204 of the MYH2 protein (p.Asp1204Gly). This variant is not present in population databases (gnomAD no frequency). This variant has not been reported in the literature in individuals affected with MYH2-related conditions. ClinVar contains an entry for this variant (Variation ID: 852224). Invitae Evidence Modeling of protein sequence and biophysical properties (such as structural, functional, and spatial information, amino acid conservation, physicochemical variation, residue mobility, and thermodynamic stability) indicates that this missense variant is not expected to disrupt MYH2 protein function with a negative predictive value of 80%. In summary, the available evidence is currently insufficient to determine the role of this variant in disease. Therefore, it has been classified as a Variant of Uncertain Significance.

NM_017534.6(MYH2):c.3611A>G (p.Asp1204Gly)

Genes: MYH2 (myosin heavy chain 2; minus strand), MYHAS (myosin heavy chain gene cluster antisense RNA; plus strand). Cytogenetic location: 17p13.1.
Variant type: single nucleotide variant.
Coding change: c.3611A>G on transcript NM_017534.6 (MANE Select); coding-DNA position 3611, A replaced by G.
Protein change: p.Asp1204Gly; replaces aspartic acid 1204 with glycine.
Molecular consequence: missense variant.
Genome position (GRCh38, 1-based): chr17:10,528,823, T>C on the plus strand (A>G on the coding strand, the complement: MYH2 is on the minus strand). VCF-style: chr17-10528823-T-C. GRCh37 (hg19) VCF-style: chr17-10432140-T-C.
Other names: c.3611A>G, p.Asp1204Gly (NM_001100112.2); short protein forms D1204G.
Identifiers: ClinVar variation 852224 (VCV000852224.7), dbSNP rs2073386786, ClinGen allele CA398132954.